The following is an entry in ClinVar:

ClinVar aggregate classification (germline): Uncertain significance (1 of 4 stars; one submission).

Conditions:
Melanoma, cutaneous malignant, susceptibility to, 5. Also called: Cutaneous malignant melanoma 5. Identifiers: Orphanet 618, MedGen C2751295, MONDO:0013133, OMIM 613099.

Allele frequency attached by ClinVar (database versions not stated): TOPMed 0.00001.
gnomAD v4.1: 97 of 1,608,582 alleles (0.006%); highest among the groups gnomAD compares: Non-Finnish European, 0.0082%; no homozygotes.

Submission:

Labcorp Genetics (formerly Invitae), Labcorp
Classification: Uncertain significance for Melanoma, cutaneous malignant, susceptibility to, 5. Last evaluated: 2023-01-23. Review status: criteria provided, single submitter. Criteria: Invitae Variant Classification Sherloc (09022015). Collection method: clinical testing. Allele origin: germline.
Comment: This variant is present in population databases (rs34612847, gnomAD 0.003%). In summary, the available evidence is currently insufficient to determine the role of this variant in disease. Therefore, it has been classified as a Variant of Uncertain Significance. Advanced modeling of protein sequence and biophysical properties (such as structural, functional, and spatial information, amino acid conservation, physicochemical variation, residue mobility, and thermodynamic stability) performed at Invitae indicates that this missense variant is not expected to disrupt MC1R protein function. ClinVar contains an entry for this variant (Variation ID: 645959). This missense change has been observed in individual(s) with melanoma (PMID: 16982779). This sequence change replaces isoleucine, which is neutral and non-polar, with methionine, which is neutral and non-polar, at codon 168 of the MC1R protein (p.Ile168Met).

Literature cited by the submitters: PubMed 16982779.

NM_002386.4(MC1R):c.504C>G (p.Ile168Met)

Gene: MC1R (melanocortin 1 receptor; plus strand). Cytogenetic location: 16q24.3.
Variant type: single nucleotide variant.
Coding change: c.504C>G on transcript NM_002386.4 (MANE Select); coding-DNA position 504, C replaced by G.
Protein change: p.Ile168Met; replaces isoleucine 168 with methionine.
Molecular consequence: missense variant.
Genome position (GRCh38, 1-based): chr16:89,919,762, C>G. VCF-style: chr16-89919762-C-G. GRCh37 (hg19) VCF-style: chr16-89986170-C-G.
Other names: short protein forms I168M.
Identifiers: ClinVar variation 645959 (VCV000645959.10), dbSNP rs34612847, ClinGen allele CA8255630.